The following is an entry in ClinVar:

ClinVar aggregate classification (germline): Uncertain significance (1 of 4 stars; one submission).

Allele frequency attached by ClinVar (database versions not stated): gnomAD 0.00001; gnomAD exomes 0.00001; TOPMed 0.00001; ExAC 0.00005.

Submission:

Ambry Genetics
Classification: Uncertain significance. Last evaluated: 2022-12-25. Review status: criteria provided, single submitter. Criteria: Ambry Variant Classification Scheme 2023. Collection method: clinical testing. Allele origin: germline.
Comment: The p.S196N variant (also known as c.587G>A), located in coding exon 1 of the EGLN2 gene, results from a G to A substitution at nucleotide position 587. The serine at codon 196 is replaced by asparagine, an amino acid with highly similar properties. This amino acid position is conserved. In addition, this alteration is predicted to be tolerated by in silico analysis. Since supporting evidence is limited at this time, the clinical significance of this alteration remains unclear.

NM_080732.4(EGLN2):c.587G>A (p.Ser196Asn)

Genes: EGLN2 (egl-9 family hypoxia inducible factor 2; plus strand), RAB4B-EGLN2 (RAB4B-EGLN2 readthrough (NMD candidate); plus strand). Cytogenetic location: 19q13.2.
Variant type: single nucleotide variant.
Coding change: c.587G>A on transcript NM_080732.4 (MANE Select); coding-DNA position 587, G replaced by A.
Protein change: p.Ser196Asn; replaces serine 196 with asparagine.
Molecular consequence: missense variant. On other transcripts: non-coding transcript variant (1).
Genome position (GRCh38, 1-based): chr19:40,801,159, G>A. VCF-style: chr19-40801159-G-A. GRCh37 (hg19) VCF-style: chr19-41307064-G-A.
Other names: c.587G>A, p.Ser196Asn (NM_053046.4); short protein forms S196N.
Identifiers: ClinVar variation 2451316 (VCV002451316.2), dbSNP rs777520401, ClinGen allele CA9452253.
Genomic context (GRCh38, chr19:40,801,159, plus strand): 5'-GCCTGGCCCTGGACTATATCGTGCCCTGCATGCGGTACTACGGCATCTGCGTCAAGGACA[G>A]CTTCCTGGGGGCAGCACTGGGCGGTCGCGTGCTGGCCGAGGTGGAGGCCCTCAAACGGGG-3'
Protein context (NP_542770.2, residues 186-206): MRYYGICVKD[Ser196Asn]FLGAALGGRV